The following is an entry in ClinVar:

NM_173689.7(CRB2):c.2817G>C (p.Leu939=)

Gene: CRB2 (crumbs cell polarity complex component 2; plus strand). Cytogenetic location: 9q33.3.
Variant type: single nucleotide variant.
Coding change: c.2817G>C on transcript NM_173689.7 (MANE Select); coding-DNA position 2817, G replaced by C.
Protein change: p.Leu939=; no amino-acid change (leucine 939 retained).
Molecular consequence: synonymous variant. On other transcripts: non-coding transcript variant (1).
Genome position (GRCh38, 1-based): chr9:123,373,348, G>C. VCF-style: chr9-123373348-G-C. GRCh37 (hg19) VCF-style: chr9-126135627-G-C.
Other names: p.Leu939=.
Identifiers: ClinVar variation 1167581 (VCV001167581.39), dbSNP rs148565778, ClinGen allele CA5232297.

ClinVar aggregate classification (germline): Benign/Likely benign. Review status: criteria provided, multiple submitters, no conflicts (2 of 4 stars). 7 submissions from 7 submitters: Benign (3); Likely benign (4). Last evaluated 2026-01-07.

Conditions:
Ventriculomegaly-cystic kidney disease. Also called: Ventriculomegaly with cystic kidney disease. Identifiers: Orphanet 443988, MedGen C1857423, MONDO:0009063, OMIM 219730.
Focal segmental glomerulosclerosis 9 (FSGS9). Identifiers: Orphanet 656, MedGen C4015555, MONDO:0014539, OMIM 616220.

Allele frequency attached by ClinVar (database versions not stated): gnomAD 0.00273 and 0.00240; 1000 Genomes Project 30x 0.00281; 1000 Genomes Project 0.00319; gnomAD exomes 0.00336 and 0.00630; ExAC 0.01824; TOPMed 0.00256.
gnomAD v4.1: 4,852 of 1,438,594 alleles (0.34%); highest among the groups gnomAD compares: Middle Eastern, 1.6%; 35 homozygotes.

Submissions (7):

Labcorp Genetics (formerly Invitae), Labcorp
Classification: Benign. Last evaluated: 2026-01-07. Review status: criteria provided, single submitter. Criteria: Invitae Variant Classification Sherloc (09022015). Collection method: clinical testing. Allele origin: germline.

CeGaT Center for Human Genetics Tuebingen
Classification: Benign. Last evaluated: 2025-04-01. Review status: criteria provided, single submitter. Criteria: CeGaT Center For Human Genetics Tuebingen Variant Classification Criteria Version 2. Collection method: clinical testing. Allele origin: germline. Affected: yes. Observed: 4 variant alleles.
Comment: CRB2: BP4, BP7, BS1, BS2

Blueprint Genetics
Classification: Likely benign. Last evaluated: 2024-11-27. Review status: criteria provided, single submitter. Criteria: ACMG Guidelines, 2015. Collection method: clinical testing. Allele origin: germline.

Mayo Clinic Laboratories, Mayo Clinic
Classification: Benign. Last evaluated: 2024-08-14. Review status: criteria provided, single submitter. Criteria: ACMG Guidelines, 2015. Collection method: clinical testing. Allele origin: germline. Observed: 2 variant alleles.
Comment: BS1, BS2, BP4, BP7

Fulgent Genetics
Classification: Likely benign for Ventriculomegaly-cystic kidney disease; Focal segmental glomerulosclerosis 9. Last evaluated: 2021-11-10. Review status: criteria provided, single submitter. Criteria: ACMG Guidelines, 2015. Collection method: clinical testing. Allele origin: unknown.

GeneDx
Classification: Likely benign. Last evaluated: 2020-12-28. Review status: criteria provided, single submitter. Criteria: GeneDx Variant Classification Process June 2021. Collection method: clinical testing. Allele origin: germline. Affected: yes.

Breakthrough Genomics
Classification: Likely benign. Review status: criteria provided, single submitter. Criteria: ACMG Guidelines, 2015. Collection method: not provided. Allele origin: germline. Inheritance: Autosomal recessive inheritance. Affected: yes.